The following is an entry in ClinVar:

ClinVar aggregate classification (germline): Uncertain significance (1 of 4 stars; one submission).

Allele frequency attached by ClinVar (database versions not stated): gnomAD exomes below 0.00001; ExAC 0.00001.
gnomAD v4.1: 5 of 1,614,214 alleles (0.00031%); highest among the groups gnomAD compares: Admixed American, 0.0067%; no homozygotes.

Submission:

Labcorp Genetics (formerly Invitae), Labcorp
Classification: Uncertain significance. Last evaluated: 2021-08-31. Review status: criteria provided, single submitter. Criteria: Invitae Variant Classification Sherloc (09022015). Collection method: clinical testing. Allele origin: germline.
Comment: This sequence change replaces leucine with proline at codon 2855 of the SZT2 protein (p.Leu2855Pro). The leucine residue is highly conserved and there is a moderate physicochemical difference between leucine and proline. This variant is present in population databases (rs774042718, ExAC 0.009%). This variant has not been reported in the literature in individuals affected with SZT2-related conditions. Algorithms developed to predict the effect of missense changes on protein structure and function are either unavailable or do not agree on the potential impact of this missense change (SIFT: "Deleterious"; PolyPhen-2: "Probably Damaging"; Align-GVGD: "Class C0"). In summary, the available evidence is currently insufficient to determine the role of this variant in disease. Therefore, it has been classified as a Variant of Uncertain Significance.

NM_001365999.1(SZT2):c.8735T>C (p.Leu2912Pro)

Gene: SZT2 (SZT2 subunit of KICSTOR complex; plus strand). Cytogenetic location: 1p34.2.
Variant type: single nucleotide variant.
Coding change: c.8735T>C on transcript NM_001365999.1 (MANE Select); coding-DNA position 8735, T replaced by C.
Protein change: p.Leu2912Pro; replaces leucine 2912 with proline.
Molecular consequence: missense variant.
Genome position (GRCh38, 1-based): chr1:43,443,706, T>C. VCF-style: chr1-43443706-T-C. GRCh37 (hg19) VCF-style: chr1-43909377-T-C.
Other names: c.8564T>C, p.Leu2855Pro (NM_015284.4); short protein forms L2912P, L2855P.
Identifiers: ClinVar variation 852661 (VCV000852661.7), dbSNP rs774042718, ClinGen allele CA810664.